The following is an entry in ClinVar:

ClinVar aggregate classification (germline): Benign/Likely benign. Review status: criteria provided, multiple submitters, no conflicts (2 of 4 stars). 7 submissions from 5 submitters: Benign (5); Likely benign (2). Last evaluated 2026-02-04.

Conditions:
Thrombophilia due to thrombin defect (THPH1). Also called: Thrombosis susceptibility; THROMBOPHILIA DUE TO FACTOR 2 DEFECT; Prothrombin-Related Thrombophilia (Factor II); Prothrombin Thrombophilia. Identifiers: MedGen C3160733, MONDO:0008559, OMIM 188050. Disease mechanism: gain of function, loss of function.
Factor V deficiency. Also called: Reduced coagulation factor V activity. Identifiers: Orphanet 326, MedGen C4317320, MONDO:0020586, HP:0003225.
Budd-Chiari syndrome (BDCHS). Also called: Hepatic vein obstruction. Identifiers: Orphanet 131, MedGen C0856761, MONDO:0010947, OMIM 600880, HP:0002639.
Congenital factor V deficiency. Also called: Hereditary factor V deficiency disease; LABILE FACTOR DEFICIENCY; PARAHEMOPHILIA; OWREN PARAHEMOPHILIA. Identifiers: Orphanet 326, MedGen C0015499, MONDO:0009210, OMIM 227400.

Allele frequency attached by ClinVar (database versions not stated): gnomAD exomes 0.04518 and 0.11104; ESP Exome Variant Server 0.09811; ExAC 0.11195; gnomAD 0.11893; TOPMed 0.13568; 1000 Genomes Project 30x 0.25953; 1000 Genomes Project 0.26358.

Submissions (7):

Labcorp Genetics (formerly Invitae), Labcorp
Classification: Benign for Congenital factor V deficiency. Last evaluated: 2026-02-04. Review status: criteria provided, single submitter. Criteria: Invitae Variant Classification Sherloc (09022015). Collection method: clinical testing. Allele origin: germline.

Mayo Clinic Laboratories, Mayo Clinic
Classification: Likely benign. Last evaluated: 2022-01-13. Review status: criteria provided, single submitter. Criteria: ACMG Guidelines, 2015. Collection method: clinical testing. Allele origin: germline. Observed: 16 variant alleles.

GeneDx
Classification: Benign. Last evaluated: 2018-11-10. Review status: criteria provided, single submitter. Criteria: GeneDx Variant Classification Process June 2021. Collection method: clinical testing. Allele origin: germline. Affected: yes.
Comment: This variant is associated with the following publications: (PMID: 32211132, 11950065, 10845571, 9798997, 23662219)

Illumina Laboratory Services, Illumina
Classification: Benign for Venous thrombosis. Last evaluated: 2018-03-06. Review status: criteria provided, single submitter. Criteria: ICSL Variant Classification Criteria 13 December 2019. Collection method: clinical testing. Allele origin: germline.
Comment: This variant was observed in the ICSL laboratory as part of a predisposition screen in an ostensibly healthy population. It had not been previously curated by ICSL or reported in the Human Gene Mutation Database (HGMD: prior to June 1st, 2018), and was therefore a candidate for classification through an automated scoring system. Utilizing variant allele frequency, disease prevalence and penetrance estimates, and inheritance mode, an automated score was calculated to assess if this variant is too frequent to cause the disease. Based on the score and internal cut-off values, a variant classified as benign is not then subjected to further curation. The score for this variant resulted in a classification of benign for this disease.

Illumina Laboratory Services, Illumina
Classification: Benign for Congenital factor V deficiency. Last evaluated: 2018-03-06. Review status: criteria provided, single submitter. Criteria: ICSL Variant Classification Criteria 13 December 2019. Collection method: clinical testing. Allele origin: germline.
Comment: the same text as in the submission from Illumina Laboratory Services, Illumina above.

Illumina Laboratory Services, Illumina
Classification: Benign for Budd-Chiari syndrome. Last evaluated: 2018-03-06. Review status: criteria provided, single submitter. Criteria: ICSL Variant Classification Criteria 13 December 2019. Collection method: clinical testing. Allele origin: germline.
Comment: the same text as in the submission from Illumina Laboratory Services, Illumina above.

Breakthrough Genomics
Classification: Likely benign. Review status: criteria provided, single submitter. Criteria: ACMG Guidelines, 2015. Collection method: not provided. Allele origin: germline. Inheritance: Autosomal recessive inheritance. Affected: yes.

NM_000130.5(F5):c.1538G>A (p.Arg513Lys)

Gene: F5 (coagulation factor V; minus strand). Cytogenetic location: 1q24.2.
Variant type: single nucleotide variant.
Coding change: c.1538G>A on transcript NM_000130.5 (MANE Select); coding-DNA position 1538, G replaced by A.
Protein change: p.Arg513Lys; replaces arginine 513 with lysine.
Molecular consequence: missense variant.
Genome position (GRCh38, 1-based): chr1:169,549,874, C>T on the plus strand (G>A on the coding strand, the complement: F5 is on the minus strand). VCF-style: chr1-169549874-C-T. GRCh37 (hg19) VCF-style: chr1-169519112-C-T.
Other names: short protein forms R513K.
Identifiers: ClinVar variation 293628 (VCV000293628.13), dbSNP rs6020, ClinGen allele CA1234296.
Genomic context (GRCh38, chr1:169,549,874, plus strand): 5'-CTGTCCAGGGATCTGCTCTTACAGATTAGAAGTAGTCCTATTAGCCCAGAGGCGATGTCT[C>T]TCATGATGTCCACGTCACTGTAGTATGGTCTTGTTAAGCACTGGGCATCATTTTCTGTGG-3'
Protein context (NP_000121.2, residues 503-523): RPYYSDVDIM[Arg513Lys]DIASGLIGLL